The following is an entry in ClinVar:

NM_025099.6(CTC1):c.949G>C (p.Glu317Gln)

Gene: CTC1 (CST telomere replication complex component 1; minus strand). Cytogenetic location: 17p13.1.
Variant type: single nucleotide variant.
Coding change: c.949G>C on transcript NM_025099.6 (MANE Select); coding-DNA position 949, G replaced by C.
Protein change: p.Glu317Gln; replaces glutamic acid 317 with glutamine.
Molecular consequence: missense variant. On other transcripts: non-coding transcript variant (1).
Genome position (GRCh38, 1-based): chr17:8,236,186, C>G on the plus strand (G>C on the coding strand, the complement: CTC1 is on the minus strand). VCF-style: chr17-8236186-C-G. GRCh37 (hg19) VCF-style: chr17-8139504-C-G.
Other names: short protein forms E317Q.
Identifiers: ClinVar variation 1411670 (VCV001411670.8), dbSNP rs1480736168, ClinGen allele CA397988418.
Genomic context (GRCh38, chr17:8,236,186, plus strand): 5'-GCATGGGGAGTGGCTTGGGGTCAGCCTCTAAGAGGGGTCCTTCCAGCTCCAGTTCCAGCT[C>G]CTGCACACATTCTGGTTTCAGCAGCAACAGACGGGAGGACTGACTGGTCATCCAAACATG-3'
Protein context (NP_079375.3, residues 307-327): LLLLKPECVQ[Glu317Gln]LELELEGPLL

ClinVar aggregate classification (germline): Uncertain significance (1 of 4 stars; one submission).

Conditions:
Dyskeratosis congenita. Identifiers: Orphanet 1775, MedGen C0265965, MONDO:0015780.

Allele frequency attached by ClinVar (database versions not stated): gnomAD 0.00001; TOPMed 0.00002.
gnomAD v4.1: 25 of 1,614,090 alleles (0.0015%); highest among the groups gnomAD compares: Middle Eastern, 0.016%; no homozygotes.

Submission:

Labcorp Genetics (formerly Invitae), Labcorp
Classification: Uncertain significance for Dyskeratosis congenita. Last evaluated: 2022-05-04. Review status: criteria provided, single submitter. Criteria: Invitae Variant Classification Sherloc (09022015). Collection method: clinical testing. Allele origin: germline.
Comment: In summary, the available evidence is currently insufficient to determine the role of this variant in disease. Therefore, it has been classified as a Variant of Uncertain Significance. Algorithms developed to predict the effect of missense changes on protein structure and function are either unavailable or do not agree on the potential impact of this missense change (SIFT: "Deleterious"; PolyPhen-2: "Possibly Damaging"; Align-GVGD: "Class C0"). This variant has not been reported in the literature in individuals affected with CTC1-related conditions. This variant is not present in population databases (gnomAD no frequency). This sequence change replaces glutamic acid, which is acidic and polar, with glutamine, which is neutral and polar, at codon 317 of the CTC1 protein (p.Glu317Gln).